The following is an entry in ClinVar:

ClinVar aggregate classification (germline): Uncertain significance (1 of 4 stars; one submission).

Conditions:
Lewy body dementia (DLB). Also called: Lewy Body Disease. Identifiers: MedGen C0752347, MONDO:0007488, OMIM 127750.

Submission:

Neuberg Centre For Genomic Medicine, NCGM
Classification: Uncertain significance for Lewy body dementia. Last evaluated: 2023-05-20. Review status: criteria provided, single submitter. Criteria: ACMG Guidelines, 2015. Collection method: clinical testing. Allele origin: germline. Inheritance: Autosomal dominant inheritance. Affected: yes.
Comment: The observed missense variant c.55G>A(p.Ala19Thr) in SNCB gene has not been reported previously as a pathogenic variant nor as a benign variant, to our knowledge. The c.55G>A variant is reported with 0 frequency in gnomAD Exomes. The amino acid Alanine at position 19 is changed to a Threonine changing protein sequence and it might alter its composition and physico-chemical properties. Multiple lines of computational evidence (Polyphen-Probably damaging, SIFT-Damaging and Mutation Taster-Disease causing) predict a damaging effect on protein structure and function for this variant. The reference amino acid p.Ala19Thr in SNCB is predicted as conserved by GERP++ and PhyloP across 100 vertebrates. For these reasons, this variant has been classified as Uncertain Significance.

NM_003085.5(SNCB):c.55G>A (p.Ala19Thr)

Gene: SNCB (synuclein beta; minus strand). Cytogenetic location: 5q35.2.
Variant type: single nucleotide variant.
Coding change: c.55G>A on transcript NM_003085.5 (MANE Select); coding-DNA position 55, G replaced by A.
Protein change: p.Ala19Thr; replaces alanine 19 with threonine.
Molecular consequence: missense variant.
Genome position (GRCh38, 1-based): chr5:176,629,600, C>T on the plus strand (G>A on the coding strand, the complement: SNCB is on the minus strand). VCF-style: chr5-176629600-C-T. GRCh37 (hg19) VCF-style: chr5-176056601-C-T.
Other names: c.55G>A, p.Ala19Thr (NM_001001502.3, NM_001318034.2, NM_001318035.2 and 3 more transcripts); short protein forms A19T.
Identifiers: ClinVar variation 3367089 (VCV003367089.1).
Genomic context (GRCh38, chr5:176,629,600, plus strand): 5'-AGAGGACGCCCTCCTTGGTCTTCTCCGCCGCCTCGGTGACCCCCTGCTTGGTTTTCTCCG[C>T]GGCTGCCACAACGCCCTCCTTGGCCATGGACAGGCCCTTCATGAACACGTCCATCCTGGC-3'
Protein context (NP_003076.1, residues 9-29): SMAKEGVVAA[Ala19Thr]EKTKQGVTEA